The following is an entry in ClinVar:

NM_000038.6(APC):c.7426A>G (p.Arg2476Gly)

Gene: APC (APC regulator of Wnt signaling pathway; plus strand). Cytogenetic location: 5q22.2.
Variant type: single nucleotide variant.
Coding change: c.7426A>G on transcript NM_000038.6 (MANE Select); coding-DNA position 7426, A replaced by G.
Protein change: p.Arg2476Gly; replaces arginine 2476 with glycine.
Molecular consequence: missense variant.
Genome position (GRCh38, 1-based): chr5:112,843,020, A>G. VCF-style: chr5-112843020-A-G. GRCh37 (hg19) VCF-style: chr5-112178717-A-G.
Other names: c.7426A>G, p.Arg2476Gly (NM_001127510.3, NM_001354895.2); c.7372A>G, p.Arg2458Gly (NM_001127511.3); c.7480A>G, p.Arg2494Gly (NM_001354896.2); c.7456A>G, p.Arg2486Gly (NM_001354897.2); c.7351A>G, p.Arg2451Gly (NM_001354898.2); c.7342A>G, p.Arg2448Gly (NM_001354899.2); c.7303A>G, p.Arg2435Gly (NM_001354900.2); c.7249A>G, p.Arg2417Gly (NM_001354901.2); and 5 more; short protein forms R2316G, R2458G, R2476G, R2350G, R2385G, R2435G, R2486G, R2193G.
Identifiers: ClinVar variation 838045 (VCV000838045.49), dbSNP rs1766473251, ClinGen allele CA16037490.

ClinVar aggregate classification (germline): Uncertain significance. Review status: criteria provided, multiple submitters, no conflicts (2 of 4 stars). 2 submissions from 2 submitters: Uncertain significance (2). Last evaluated 2023-11-17.

Conditions:
Familial adenomatous polyposis 1 (FAP1). Also called: FAMILIAL ADENOMATOUS POLYPOSIS 1, ATTENUATED; POLYPOSIS, ADENOMATOUS INTESTINAL. Identifiers: MedGen C2713442, MONDO:0021056, OMIM 175100. Disease mechanism: loss of function.
Hereditary cancer-predisposing syndrome. Also called: Neoplastic Syndromes, Hereditary; Tumor predisposition; Hereditary neoplastic syndrome; Hereditary Cancer Syndrome. Identifiers: Orphanet 140162, MedGen C0027672, MeSH D009386, MONDO:0015356.

Submissions (2):

Ambry Genetics
Classification: Uncertain significance for Hereditary cancer-predisposing syndrome. Last evaluated: 2023-11-17. Review status: criteria provided, single submitter. Criteria: Ambry Variant Classification Scheme 2023. Collection method: clinical testing. Allele origin: germline.
Comment: The p.R2476G variant (also known as c.7426A>G), located in coding exon 15 of the APC gene, results from an A to G substitution at nucleotide position 7426. The arginine at codon 2476 is replaced by glycine, an amino acid with dissimilar properties. This amino acid position is highly conserved in available vertebrate species. In addition, in silico predictors for this gene do not accurately predict pathogenicity. Since supporting evidence is limited at this time, the clinical significance of this alteration remains unclear.

Labcorp Genetics (formerly Invitae), Labcorp
Classification: Uncertain significance for Familial adenomatous polyposis 1. Last evaluated: 2022-01-27. Review status: criteria provided, single submitter. Criteria: Invitae Variant Classification Sherloc (09022015). Collection method: clinical testing. Allele origin: germline.
Comment: In summary, the available evidence is currently insufficient to determine the role of this variant in disease. Therefore, it has been classified as a Variant of Uncertain Significance. Algorithms developed to predict the effect of missense changes on protein structure and function (SIFT, PolyPhen-2, Align-GVGD) all suggest that this variant is likely to be tolerated. ClinVar contains an entry for this variant (Variation ID: 838045). This variant has not been reported in the literature in individuals affected with APC-related conditions. This variant is not present in population databases (gnomAD no frequency). This sequence change replaces arginine, which is basic and polar, with glycine, which is neutral and non-polar, at codon 2476 of the APC protein (p.Arg2476Gly).